The following is an entry in ClinVar:

ClinVar aggregate classification (germline): Likely benign (0 of 4 stars; one submission).

Conditions:
GDF3-related disorder. Also called: GDF3-related condition.

Allele frequency attached by ClinVar (database versions not stated): gnomAD 0.00001; TOPMed 0.00001.

Submission:

PreventionGenetics, part of Exact Sciences
Classification: Likely benign for GDF3-related condition. Last evaluated: 2021-08-09. Review status: no assertion criteria provided. Collection method: clinical testing. Allele origin: germline.
Comment: This variant is classified as likely benign based on ACMG/AMP sequence variant interpretation guidelines (Richards et al. 2015 PMID: 25741868, with internal and published modifications).

NM_020634.3(GDF3):c.696C>A (p.Ser232=)

Gene: GDF3 (growth differentiation factor 3; minus strand). Cytogenetic location: 12p13.31.
Variant type: single nucleotide variant.
Coding change: c.696C>A on transcript NM_020634.3 (MANE Select); coding-DNA position 696, C replaced by A.
Protein change: p.Ser232=; no amino-acid change (serine 232 retained).
Molecular consequence: synonymous variant.
Genome position (GRCh38, 1-based): chr12:7,690,277, G>T on the plus strand (C>A on the coding strand, the complement: GDF3 is on the minus strand). VCF-style: chr12-7690277-G-T. GRCh37 (hg19) VCF-style: chr12-7842873-G-T.
Identifiers: ClinVar variation 3056871 (VCV003056871.2), dbSNP rs1478637864, ClinGen allele CA478526849.